The following is an entry in ClinVar:

ClinVar aggregate classification (germline): Benign. Review status: criteria provided, multiple submitters, no conflicts (2 of 4 stars). 2 submissions from 2 submitters: Benign (2). Last evaluated 2026-01-22.

Allele frequency attached by ClinVar (database versions not stated): gnomAD exomes 0.00172; 1000 Genomes Project 0.01098; gnomAD 0.01353; TOPMed 0.01566; ExAC 0.00301; ESP Exome Variant Server 0.00832; 1000 Genomes Project 30x 0.01187.
gnomAD v4.1: 3,041 of 700,030 alleles (0.43%); highest among the groups gnomAD compares: African/African-American, 4.7%; 90 homozygotes.

Submissions (2):

Labcorp Genetics (formerly Invitae), Labcorp
Classification: Benign. Last evaluated: 2026-01-22. Review status: criteria provided, single submitter. Criteria: Invitae Variant Classification Sherloc (09022015). Collection method: clinical testing. Allele origin: germline.

Mayo Clinic Laboratories, Mayo Clinic
Classification: Benign. Last evaluated: 2023-12-14. Review status: criteria provided, single submitter. Criteria: ACMG Guidelines, 2015. Collection method: clinical testing. Allele origin: germline. Observed: 8 variant alleles.
Comment: BS1, BS2, BP4

NM_016363.5(GP6):c.*765A>C

Gene: GP6 (glycoprotein VI platelet; minus strand). Cytogenetic location: 19q13.42.
Variant type: single nucleotide variant.
Coding change: c.*765A>C on transcript NM_016363.5 (MANE Select); 765 bases downstream of the stop codon, A replaced by C.
Molecular consequence: 3 prime UTR variant. On other transcripts: missense variant (1).
Genome position (GRCh38, 1-based): chr19:55,014,156, T>G on the plus strand (A>C on the coding strand, the complement: GP6 is on the minus strand). VCF-style: chr19-55014156-T-G. GRCh37 (hg19) VCF-style: chr19-55525524-T-G.
Other names: p.Thr597Pro; c.1789A>C, p.Thr597Pro (NM_001083899.2); c.*765A>C (NM_001256017.2); short protein forms T597P.
Identifiers: ClinVar variation 2126723 (VCV002126723.5), dbSNP rs115459014, ClinGen allele CA310121015.
Genomic context (GRCh38, chr19:55,014,156, plus strand): 5'-TTGACATATTCATCCCTGTATTTTTTGAGACAAAGTCAGGCTTCGTCACCCGAGCTAGAG[T>G]GCAGTGGTGTGATCTCAGCTCACTGCAACCTCTGCCTCCCAGGCTCAAGCCATTCTCCCA-3'